The following is an entry in ClinVar:

NM_001042492.3(NF1):c.2725G>A (p.Val909Met)

Gene: NF1 (neurofibromin 1; plus strand). Cytogenetic location: 17q11.2.
Variant type: single nucleotide variant.
Coding change: c.2725G>A on transcript NM_001042492.3 (MANE Select); coding-DNA position 2725, G replaced by A.
Protein change: p.Val909Met; replaces valine 909 with methionine.
Molecular consequence: missense variant.
Genome position (GRCh38, 1-based): chr17:31,229,340, G>A. VCF-style: chr17-31229340-G-A. GRCh37 (hg19) VCF-style: chr17-29556358-G-A.
Other names: c.2725G>A, p.Val909Met (NM_000267.4); short protein forms V909M.
Identifiers: ClinVar variation 2893913 (VCV002893913.3), dbSNP rs1567849105, ClinGen allele CA398985183.

ClinVar aggregate classification (germline): Uncertain significance (1 of 4 stars; one submission).

Conditions:
Neurofibromatosis, type 1 (NF1). Also called: Neurofibromatosis, type I; VON RECKLINGHAUSEN DISEASE; Peripheral type neurofibromatosis; NEUROFIBROMATOSIS, TYPE I, SOMATIC. Identifiers: Orphanet 636, MedGen C0027831, MONDO:0018975, OMIM 162200. Disease mechanism: loss of function.

Submission:

Labcorp Genetics (formerly Invitae), Labcorp
Classification: Uncertain significance for Neurofibromatosis, type 1. Last evaluated: 2025-05-05. Review status: criteria provided, single submitter. Criteria: Invitae Variant Classification Sherloc (09022015). Collection method: clinical testing. Allele origin: germline.
Comment: This sequence change replaces valine, which is neutral and non-polar, with methionine, which is neutral and non-polar, at codon 909 of the NF1 protein (p.Val909Met). This variant is not present in population databases (gnomAD no frequency). This variant has not been reported in the literature in individuals affected with NF1-related conditions. ClinVar contains an entry for this variant (Variation ID: 2893913). Invitae Evidence Modeling of protein sequence and biophysical properties (such as structural, functional, and spatial information, amino acid conservation, physicochemical variation, residue mobility, and thermodynamic stability) indicates that this missense variant is expected to disrupt NF1 protein function with a positive predictive value of 80%. In summary, the available evidence is currently insufficient to determine the role of this variant in disease. Therefore, it has been classified as a Variant of Uncertain Significance.